The following is an entry in ClinVar:

ClinVar aggregate classification (germline): Uncertain significance (1 of 4 stars; one submission).

Conditions:
Hypertrophic cardiomyopathy. Also called: HYPERTROPHIC MYOCARDIOPATHY. Identifiers: Orphanet 217569, MedGen C0007194, MeSH D002312, MONDO:0005045, HP:0001639.

Submission:

Labcorp Genetics (formerly Invitae), Labcorp
Classification: Uncertain significance for Hypertrophic cardiomyopathy. Last evaluated: 2024-05-31. Review status: criteria provided, single submitter. Criteria: Invitae Variant Classification Sherloc (09022015). Collection method: clinical testing. Allele origin: germline.
Comment: This sequence change replaces lysine, which is basic and polar, with asparagine, which is neutral and polar, at codon 1131 of the MYH7 protein (p.Lys1131Asn). This variant is not present in population databases (gnomAD no frequency). This variant has not been reported in the literature in individuals affected with MYH7-related conditions. Advanced modeling of protein sequence and biophysical properties (such as structural, functional, and spatial information, amino acid conservation, physicochemical variation, residue mobility, and thermodynamic stability) performed at Invitae indicates that this missense variant is expected to disrupt MYH7 protein function with a positive predictive value of 95%. In summary, the available evidence is currently insufficient to determine the role of this variant in disease. Therefore, it has been classified as a Variant of Uncertain Significance.

NM_000257.4(MYH7):c.3393G>C (p.Lys1131Asn)

Gene: MYH7 (myosin heavy chain 7; minus strand). Cytogenetic location: 14q11.2.
Variant type: single nucleotide variant.
Coding change: c.3393G>C on transcript NM_000257.4 (MANE Select); coding-DNA position 3393, G replaced by C.
Protein change: p.Lys1131Asn; replaces lysine 1131 with asparagine.
Molecular consequence: missense variant.
Genome position (GRCh38, 1-based): chr14:23,420,178, C>G on the plus strand (G>C on the coding strand, the complement: MYH7 is on the minus strand). VCF-style: chr14-23420178-C-G. GRCh37 (hg19) VCF-style: chr14-23889387-C-G.
Other names: c.3393G>C, p.Lys1131Asn (NM_001407004.1); short protein forms K1131N.
Identifiers: ClinVar variation 3677517 (VCV003677517.2).